The following is an entry in ClinVar:

ClinVar aggregate classification (germline): Likely benign (1 of 4 stars; one submission).

Allele frequency attached by ClinVar (database versions not stated): 1000 Genomes Project 0.00040; ExAC 0.00045; 1000 Genomes Project 30x 0.00047; gnomAD 0.00052; TOPMed 0.00057; gnomAD exomes 0.00101; ESP Exome Variant Server 0.00123.

Submissions (2):

CeGaT Center for Human Genetics Tuebingen
Classification: Likely benign. Last evaluated: 2023-03-01. Review status: criteria provided, single submitter. Criteria: CeGaT Center For Human Genetics Tuebingen Variant Classification Criteria Version 2. Collection method: clinical testing. Allele origin: germline. Affected: yes. Observed: 1 variant allele.
Comment: RNASE3: BP4, BS2

Dr. Peter K. Rogan Lab, Western University
No classification provided (evidence only). Condition: Malignant tumor of urinary bladder. Review status: no classification provided. Collection method: in vitro. Allele origin: not applicable. Functional consequence: retained intron. Not counted in ClinVar's aggregate classification.

NM_002935.3(RNASE3):c.247G>A (p.Gly83Ser)

Gene: RNASE3 (ribonuclease A family member 3; plus strand). Cytogenetic location: 14q11.2.
Variant type: single nucleotide variant.
Coding change: c.247G>A on transcript NM_002935.3 (MANE Select); coding-DNA position 247, G replaced by A.
Protein change: p.Gly83Ser; replaces glycine 83 with serine.
Molecular consequence: missense variant.
Genome position (GRCh38, 1-based): chr14:20,891,933, G>A. VCF-style: chr14-20891933-G-A. GRCh37 (hg19) VCF-style: chr14-21360092-G-A.
Other names: NC_000014.8:g.21360092G>A; short protein forms G83S.
Identifiers: ClinVar variation 2644054 (VCV002644054.25), dbSNP rs118071092, ClinGen allele CA7083861.
Genomic context (GRCh38, chr14:20,891,933, plus strand): 5'-CGTTGCAAAAACCAAAATACTTTTCTTCGTACAACTTTTGCTAATGTAGTTAATGTTTGT[G>A]GTAACCAAAGTATACGCTGCCCTCATAACAGAACTCTCAACAATTGTCATCGGAGTAGAT-3'
Protein context (NP_002926.2, residues 73-93): TTFANVVNVC[Gly83Ser]NQSIRCPHNR